The following is an entry in ClinVar:

NM_001354483.2(CSGALNACT1):c.141G>A (p.Arg47=)

Gene: CSGALNACT1 (chondroitin sulfate N-acetylgalactosaminyltransferase 1; minus strand). Cytogenetic location: 8p21.3.
Variant type: single nucleotide variant.
Coding change: c.141G>A on transcript NM_001354483.2 (MANE Select); coding-DNA position 141, G replaced by A.
Protein change: p.Arg47=; no amino-acid change (arginine 47 retained).
Molecular consequence: synonymous variant. On other transcripts: non-coding transcript variant (7).
Genome position (GRCh38, 1-based): chr8:19,505,694, C>T on the plus strand (G>A on the coding strand, the complement: CSGALNACT1 is on the minus strand). VCF-style: chr8-19505694-C-T. GRCh37 (hg19) VCF-style: chr8-19363205-C-T.
Other names: c.141G>A, p.Arg47= (NM_001130518.2, NM_001354475.2, NM_001354476.2 and 18 more transcripts).
Identifiers: ClinVar variation 4977835 (VCV004977835.1).
Genomic context (GRCh38, chr8:19,505,694, plus strand): 5'-CTGCTCCTCCCACTCCTGAAGGACGGCCTGGTACCCCTCCTTCCCCGTGGGGCTGTTGGC[C>T]CTGGGCAGTGCCAGCTGCTCCTCGTCACCTTTTGGGGTGCAGGCCAACATGTACAGGACA-3'
Protein context (NP_001341412.1, residues 37-57): KGDEEQLALP[Arg47=]ANSPTGKEGY

ClinVar aggregate classification (germline): Likely benign (1 of 4 stars; one submission).

Conditions:
CSGALNACT1-related disorder. Also called: CSGALNACT1-related condition.

gnomAD v4.1: 14 of 1,614,048 alleles (0.00087%); highest among the groups gnomAD compares: Non-Finnish European, 0.0012%; no homozygotes.

Submission:

PreventionGenetics, part of Exact Sciences
Classification: Likely benign for CSGALNACT1-related condition. Last evaluated: 2026-02-04. Review status: criteria provided, single submitter. Criteria: ACMG Guidelines, 2015. Collection method: clinical testing. Allele origin: germline.
Comment: This variant is classified as likely benign based on ACMG/AMP sequence variant interpretation guidelines (Richards et al. 2015 PMID: 25741868, with internal and published modifications).